The following is an entry in ClinVar:

ClinVar aggregate classification (germline): Benign/Likely benign. Review status: criteria provided, multiple submitters, no conflicts (2 of 4 stars). 9 submissions from 9 submitters: Benign (3); Likely benign (2). 4 of the submissions do not count toward it. Last evaluated 2026-07-01.

Allele frequency attached by ClinVar (database versions not stated): gnomAD 0.00132; TOPMed 0.00132; ExAC 0.00326; gnomAD exomes 0.00486; 1000 Genomes Project 0.00799; 1000 Genomes Project 30x 0.00843.

Submissions (9):

CeGaT Center for Human Genetics Tuebingen
Classification: Benign. Last evaluated: 2026-07-01. Review status: criteria provided, single submitter. Criteria: CeGaT Center For Human Genetics Tuebingen Variant Classification Criteria Version 2. Collection method: clinical testing. Allele origin: germline. Affected: yes. Observed: 2 variant alleles.
Comment: MAGEL2: BS1, BS2

Labcorp Genetics (formerly Invitae), Labcorp
Classification: Benign. Last evaluated: 2026-02-01. Review status: criteria provided, single submitter. Criteria: Invitae Variant Classification Sherloc (09022015). Collection method: clinical testing. Allele origin: germline.

Blueprint Genetics
Classification: Likely benign. Last evaluated: 2024-10-16. Review status: criteria provided, single submitter. Criteria: ACMG Guidelines, 2015. Collection method: clinical testing. Allele origin: germline.

GeneDx
Classification: Likely benign. Last evaluated: 2019-12-10. Review status: criteria provided, single submitter. Criteria: GeneDx Variant Classification Process June 2021. Collection method: clinical testing. Allele origin: germline. Affected: yes.

Eurofins Ntd Llc (ga)
Classification: Benign. Last evaluated: 2015-04-24. Review status: criteria provided, single submitter. Criteria: EGL Classification Definitions 2015. Collection method: clinical testing. Allele origin: germline. Observed: 2 variant alleles, 2 heterozygotes.

Clinical Genetics DNA and cytogenetics Diagnostics Lab, Erasmus MC, Erasmus Medical Center
Classification: Likely benign. Review status: no assertion criteria provided. Collection method: clinical testing. Allele origin: germline. Affected: yes. Study: VKGL Data-share Consensus. Not counted in ClinVar's aggregate classification.

Clinical Genetics, Academic Medical Center
Classification: Benign. Review status: no assertion criteria provided. Collection method: clinical testing. Allele origin: germline. Affected: yes. Study: VKGL Data-share Consensus. Not counted in ClinVar's aggregate classification.

Genome Diagnostics Laboratory, University Medical Center Utrecht
Classification: Likely benign. Review status: no assertion criteria provided. Collection method: clinical testing. Allele origin: germline. Affected: yes. Study: VKGL Data-share Consensus. Not counted in ClinVar's aggregate classification.

Laboratory of Diagnostic Genome Analysis, Leiden University Medical Center (LUMC)
Classification: Likely benign. Review status: no assertion criteria provided. Collection method: clinical testing. Allele origin: germline. Affected: yes. Study: VKGL Data-share Consensus. Not counted in ClinVar's aggregate classification.

NM_019066.5(MAGEL2):c.1304C>T (p.Pro435Leu)

Gene: MAGEL2 (MAGE family member L2; minus strand). Cytogenetic location: 15q11.2.
Variant type: single nucleotide variant.
Coding change: c.1304C>T on transcript NM_019066.5 (MANE Select); coding-DNA position 1304, C replaced by T.
Protein change: p.Pro435Leu; replaces proline 435 with leucine.
Molecular consequence: missense variant.
Genome position (GRCh38, 1-based): chr15:23,646,439, G>A on the plus strand (C>T on the coding strand, the complement: MAGEL2 is on the minus strand). VCF-style: chr15-23646439-G-A. GRCh37 (hg19) VCF-style: chr15-23891586-G-A.
Other names: short protein forms P435L.
Identifiers: ClinVar variation 193414 (VCV000193414.36), dbSNP rs2233062, ClinGen allele CA238939.